The following is an entry in ClinVar:

NM_173728.4(ARHGEF15):c.2034-5G>T

Gene: ARHGEF15 (Rho guanine nucleotide exchange factor 15; plus strand). Cytogenetic location: 17p13.1.
Variant type: single nucleotide variant.
Coding change: c.2034-5G>T on transcript NM_173728.4 (MANE Select); 5 bases into the intron before coding-DNA position 2034, G replaced by T.
Molecular consequence: intron variant.
Genome position (GRCh38, 1-based): chr17:8,319,002, G>T. VCF-style: chr17-8319002-G-T. GRCh37 (hg19) VCF-style: chr17-8222320-G-T.
Other names: c.2034-5G>T (NM_025014.2).
Identifiers: ClinVar variation 2728528 (VCV002728528.3), dbSNP rs2543948810, ClinGen allele CA2697559411.

ClinVar aggregate classification (germline): Uncertain significance (1 of 4 stars; one submission).

Conditions:
Early-infantile DEE. Also called: Early infantile epileptic encephalopathy; Early infantile epileptic encephalopathy with suppression bursts; Ohtahara syndrome. Identifiers: Orphanet 1934, MedGen C0393706, MONDO:0800491.

Submission:

Labcorp Genetics (formerly Invitae), Labcorp
Classification: Uncertain significance for Early-infantile DEE. Last evaluated: 2023-06-25. Review status: criteria provided, single submitter. Criteria: Invitae Variant Classification Sherloc (09022015). Collection method: clinical testing. Allele origin: germline.
Comment: This sequence change falls in intron 12 of the ARHGEF15 gene. It does not directly change the encoded amino acid sequence of the ARHGEF15 protein. This variant is not present in population databases (gnomAD no frequency). This variant has not been reported in the literature in individuals affected with ARHGEF15-related conditions. Algorithms developed to predict the effect of sequence changes on RNA splicing suggest that this variant may disrupt the consensus splice site. In summary, the available evidence is currently insufficient to determine the role of this variant in disease. Therefore, it has been classified as a Variant of Uncertain Significance.